The following is an entry in ClinVar:

NM_005422.4(TECTA):c.1503C>T (p.Ser501=)

Genes: TBCEL-TECTA (TBCEL-TECTA readthrough; plus strand), TECTA (tectorin alpha; plus strand). Cytogenetic location: 11q23.3.
Variant type: single nucleotide variant.
Coding change: c.1503C>T on transcript NM_005422.4 (MANE Select); coding-DNA position 1503, C replaced by T.
Protein change: p.Ser501=; no amino-acid change (serine 501 retained).
Molecular consequence: synonymous variant.
Genome position (GRCh38, 1-based): chr11:121,125,601, C>T. VCF-style: chr11-121125601-C-T. GRCh37 (hg19) VCF-style: chr11-120996310-C-T.
Other names: c.2460C>T, p.Ser820= (NM_001378761.1).
Identifiers: ClinVar variation 2417737 (VCV002417737.35), dbSNP rs372728122, ClinGen allele CA6326764.
Genomic context (GRCh38, chr11:121,125,601, plus strand): 5'-GTCTGTCCTGGATCTGGGAGAGAGCTGGCGTGTGTACCACGCAGACTGGAAGTGCGACTC[C>T]GGCTGCGTCGACAACTGCACCCAGTGCGACGCTGCCACTGAAGCCCTCTACTTTGGCTCT-3'
Protein context (NP_005413.2, residues 491-511): RVYHADWKCD[Ser501=]GCVDNCTQCD

ClinVar aggregate classification (germline): Likely benign. Review status: criteria provided, multiple submitters, no conflicts (2 of 4 stars). 2 submissions from 2 submitters: Likely benign (2). Last evaluated 2025-07-13.

Allele frequency attached by ClinVar (database versions not stated): gnomAD exomes 0.00003; gnomAD 0.00004; TOPMed 0.00004; ExAC 0.00006; ESP Exome Variant Server 0.00008.
gnomAD v4.1: 54 of 1,613,690 alleles (0.0033%); highest among the groups gnomAD compares: South Asian, 0.0088%; no homozygotes.

Submissions (2):

Labcorp Genetics (formerly Invitae), Labcorp
Classification: Likely benign. Last evaluated: 2025-07-13. Review status: criteria provided, single submitter. Criteria: Invitae Variant Classification Sherloc (09022015). Collection method: clinical testing. Allele origin: germline.

CeGaT Center for Human Genetics Tuebingen
Classification: Likely benign. Last evaluated: 2023-02-01. Review status: criteria provided, single submitter. Criteria: CeGaT Center For Human Genetics Tuebingen Variant Classification Criteria Version 2. Collection method: clinical testing. Allele origin: germline. Affected: yes. Observed: 1 variant allele.
Comment: TECTA: BP4, BP7